The following is an entry in ClinVar:

NM_001267550.2(TTN):c.87367A>C (p.Ser29123Arg)

Genes: TTN (titin; minus strand), TTN-AS1 (TTN antisense RNA 1; plus strand). Cytogenetic location: 2q31.2.
Variant type: single nucleotide variant.
Coding change: c.87367A>C on transcript NM_001267550.2 (MANE Select); coding-DNA position 87367, A replaced by C.
Protein change: p.Ser29123Arg; replaces serine 29123 with arginine.
Molecular consequence: missense variant.
Genome position (GRCh38, 1-based): chr2:178,557,987, T>G on the plus strand (A>C on the coding strand, the complement: TTN is on the minus strand). VCF-style: chr2-178557987-T-G. GRCh37 (hg19) VCF-style: chr2-179422714-T-G.
Other names: p.S27482R:AGT>CGT; c.82444A>C, p.Ser27482Arg (NM_001256850.1); c.79663A>C, p.Ser26555Arg (NM_133378.4); c.60172A>C, p.Ser20058Arg (NM_003319.4); c.60547A>C, p.Ser20183Arg (NM_133432.3); c.60748A>C, p.Ser20250Arg (NM_133437.4); short protein forms S29123R, S26555R, S27482R, S20058R, S20183R, S20250R.
Identifiers: ClinVar variation 47463 (VCV000047463.29), dbSNP rs375198596, ClinGen allele CA141079.

ClinVar aggregate classification (germline): Conflicting classifications of pathogenicity. Review status: criteria provided, conflicting classifications (1 of 4 stars). 11 submissions from 11 submitters: Uncertain significance (9); Likely benign (2). Last evaluated 2026-04-02.

Conditions:
TTN-related disorder. Also called: TTN-related condition; TTN-related disease; TTN-related disorders.
Cardiovascular phenotype. Identifiers: MedGen CN230736.
Autosomal recessive limb-girdle muscular dystrophy type 2J (LGMDR10). Also called: Limb-girdle muscular dystrophy, type 2J; MUSCULAR DYSTROPHY, LIMB-GIRDLE, AUTOSOMAL RECESSIVE 10. Identifiers: Orphanet 140922, MedGen C1837342, MONDO:0012127, OMIM 608807.
Dilated cardiomyopathy 1G (CMD1G). Identifiers: Orphanet 154, MedGen C1858763, MONDO:0011400, OMIM 604145.
Cardiomyopathy (CMYO). Also called: Cardiomyopathies. Identifiers: Orphanet 167848, MedGen C0878544, MONDO:0004994, HP:0001638. Inheritance: Various modes of inheritance.

Allele frequency attached by ClinVar (database versions not stated): gnomAD exomes 0.00011; gnomAD 0.00016; TOPMed 0.00016.
gnomAD v4.1: 175 of 1,613,590 alleles (0.011%); highest among the groups gnomAD compares: Non-Finnish European, 0.013%; no homozygotes.

Submissions (11):

PreventionGenetics, part of Exact Sciences
Classification: Uncertain significance for TTN-related condition. Last evaluated: 2026-04-02. Review status: criteria provided, single submitter. Criteria: ACMG Guidelines, 2015. Collection method: clinical testing. Allele origin: germline.
Comment: The TTN c.87367A>C variant is predicted to result in the amino acid substitution p.Ser29123Arg. This variant has been reported in a dilated cardiomyopathy cohort (Table S4, Franaszczyk et al. 2017. PubMed ID: 28045975). This variant has also been reported with a second TTN missense variant in an individual with arrhythmogenic cardiomyopathy (Table S2, Poloni et al. 2019. PubMed ID: 30453078). This variant is reported in 0.016% of alleles in individuals of European (Non-Finnish) descent in gnomAD. Although we suspect that this variant may be benign, at this time, the clinical significance of this variant is uncertain due to the absence of conclusive functional and genetic evidence.

Mayo Clinic Laboratories, Mayo Clinic
Classification: Uncertain significance. Last evaluated: 2025-04-01. Review status: criteria provided, single submitter. Criteria: ACMG Guidelines, 2015. Collection method: clinical testing. Allele origin: germline. Observed: 2 variant alleles.
Comment: BP4

Women's Health and Genetics/Laboratory Corporation of America, LabCorp
Classification: Uncertain significance. Last evaluated: 2024-12-11. Review status: criteria provided, single submitter. Criteria: LabCorp Variant Classification Summary - May 2015. Collection method: clinical testing. Allele origin: germline.
Comment: Variant summary: TTN c.79663A>C in NM_133378 (p.Ser26555Arg, exon 277) (also reported as c.87367A>C p.Ser29123Arg in Exon 328 NM_001267550), results in a non-conservative amino acid change in the encoded protein sequence. Three of five in-silico tools predict a benign effect of the variant on protein function. Nonsense, frameshift, and canonical splice-site variants in all TTN exon bands are strongly associated with a spectrum of autosomal recessive titinopathies (PMID: 32778822, 29691892, 33449170, 36977548, internal data). The clear majority (>90%) of recessive titinopathy cases require exon expression (proportion spliced in, PSI, 1=complete expression) in skeletal muscle to be PSI >0.1 (PMID: 36977548, 39198997, 29598826). In contrast, loss of function variants are only strongly associated with autosomal dominant TTN-related cardiomyopathies if located in exons constitutively expressed (PSI >0.9) in cardiac muscle, excluding extreme C-terminal exons 359-363 (PMID: 25589632, 31216868, 32964742, 34662387, 27869827, Shetty et al., Nat Cardiovasc Res 2024,, internal data). This variant is located in the A-band region with a maximum skeletal muscle PSI of 0.94 in PMID 39198997 and maximum cardiac muscle PSI of 1 in an online resource. The variant allele was found at a frequency of 9.3e-05 in 248516 control chromosomes. This frequency is not significantly higher than estimated for a pathogenic variant in TTN causing Autosomal Recessive Titinopathy (9.3e-05 vs 0.00039), allowing no conclusion about variant significance. c.79663A>C has been reported in the literature in one unspecified individual affected with Arrhythmogenic cardiomyopathy, in trans along with another VUS missense change (Poloni_2019). These report(s) do not provide unequivocal conclusions about association of the variant with Autosomal Recessive Titinopathy. To our knowledge, no experimental evidence demonstrating an impact on protein function has been reported. The following publication has been ascertained in the context of this evaluation (PMID: 30453078). ClinVar contains an entry for this variant (Variation ID: 47463). Based on the evidence outlined above, the variant was classified as uncertain significance.

Blueprint Genetics
Classification: Likely benign. Last evaluated: 2024-11-21. Review status: criteria provided, single submitter. Criteria: ACMG Guidelines, 2015. Collection method: clinical testing. Allele origin: germline.

Revvity Omics, Revvity
Classification: Uncertain significance. Last evaluated: 2023-12-11. Review status: criteria provided, single submitter. Criteria: ACMG Guidelines, 2015. Collection method: clinical testing. Allele origin: germline.

CHEO Genetics Diagnostic Laboratory, Children's Hospital of Eastern Ontario
Classification: Uncertain significance for Cardiomyopathy. Last evaluated: 2021-04-27. Review status: criteria provided, single submitter. Criteria: ACMG Guidelines, 2015. Collection method: clinical testing. Allele origin: germline.

Ambry Genetics
Classification: Uncertain significance for Cardiovascular phenotype. Last evaluated: 2019-09-24. Review status: criteria provided, single submitter. Criteria: Ambry Variant Classification Scheme 2023. Collection method: clinical testing. Allele origin: germline.
Comment: The p.S20058R variant (also known as c.60172A>C), located in coding exon 155 of the TTN gene, results from an A to C substitution at nucleotide position 60172. The serine at codon 20058 is replaced by arginine, an amino acid with dissimilar properties. This amino acid position is well conserved in available vertebrate species. In addition, this alteration is predicted to be tolerated by in silico analysis. Since supporting evidence is limited at this time, the clinical significance of this alteration remains unclear.

GeneDx
Classification: Likely benign. Last evaluated: 2019-05-30. Review status: criteria provided, single submitter. Criteria: GeneDx Variant Classification Process June 2021. Collection method: clinical testing. Allele origin: germline. Affected: yes.
Comment: This variant is associated with the following publications: (PMID: 30453078)

Labcorp Genetics (formerly Invitae), Labcorp
Classification: Uncertain significance for Dilated cardiomyopathy 1G; Autosomal recessive limb-girdle muscular dystrophy type 2J. Last evaluated: 2017-12-08. Review status: criteria provided, single submitter. Criteria: Invitae Variant Classification Sherloc (09022015). Collection method: clinical testing. Allele origin: germline.

Eurofins Ntd Llc (ga)
Classification: Uncertain significance. Last evaluated: 2015-09-21. Review status: criteria provided, single submitter. Criteria: EGL Classification Definitions 2015. Collection method: clinical testing. Allele origin: germline. Observed: 1 variant allele, 1 heterozygote.

Laboratory for Molecular Medicine, Mass General Brigham Personalized Medicine
Classification: Uncertain significance. Last evaluated: 2012-02-07. Review status: criteria provided, single submitter. Criteria: LMM Criteria. Collection method: clinical testing. Allele origin: germline. Observed: 1 variant allele.
Comment: The Ser26555Arg variant (TTN) has not been reported in the literature nor previo usly identified by our laboratory. Computational analyses (biochemical amino aci d properties, conservation, AlignGVGD, and SIFT) do not provide strong support f or or against an impact to the protein. Additional information is needed to full y assess the clinical significance of the Ser26555Arg variant.

Literature cited by the submitters: PubMed 30453078 (cited by Mayo Clinic Laboratories, Mayo Clinic and Women's Health and Genetics/Laboratory Corporation of America, LabCorp).